The following is an entry in ClinVar:

ClinVar aggregate classification (germline): Likely pathogenic. Review status: criteria provided, multiple submitters, no conflicts (2 of 4 stars). 2 submissions from 2 submitters: Likely pathogenic (2). Last evaluated 2023-08-14.

Conditions:
OCA2-related disorder. Also called: OCA2-related condition.

Submissions (2):

Labcorp Genetics (formerly Invitae), Labcorp
Classification: Likely pathogenic. Last evaluated: 2023-08-14. Review status: criteria provided, single submitter. Criteria: Invitae Variant Classification Sherloc (09022015). Collection method: clinical testing. Allele origin: germline.
Comment: This sequence change affects a donor splice site in intron 12 of the OCA2 gene. It is expected to disrupt RNA splicing. Variants that disrupt the donor or acceptor splice site typically lead to a loss of protein function (PMID: 16199547), and loss-of-function variants in OCA2 are known to be pathogenic (PMID: 19865097, 21541274). This variant is not present in population databases (gnomAD no frequency). This variant has not been reported in the literature in individuals affected with OCA2-related conditions. Algorithms developed to predict the effect of sequence changes on RNA splicing suggest that this variant may disrupt the consensus splice site. In summary, the currently available evidence indicates that the variant is pathogenic, but additional data are needed to prove that conclusively. Therefore, this variant has been classified as Likely Pathogenic.

Blueprint Genetics
Classification: Likely pathogenic for OCA2-related disorders. Last evaluated: 2022-05-02. Review status: criteria provided, single submitter. Criteria: ACMG Guidelines, 2015. Collection method: clinical testing. Allele origin: germline. Affected: yes. Observed: 2 variant alleles.

Literature cited by the submitters: PubMed 16199547 (cited by Labcorp Genetics (formerly Invitae), Labcorp); PubMed 19865097 (cited by Labcorp Genetics (formerly Invitae), Labcorp); PubMed 21541274 (cited by Labcorp Genetics (formerly Invitae), Labcorp).

NM_000275.3(OCA2):c.1239+2T>A

Gene: OCA2 (OCA2 melanosomal transmembrane protein; minus strand). Cytogenetic location: 15q13.1.
Variant type: single nucleotide variant.
Coding change: c.1239+2T>A on transcript NM_000275.3 (MANE Select); the canonical splice donor site of the intron after coding-DNA position 1239, T replaced by A.
Molecular consequence: splice donor variant.
Genome position (GRCh38, 1-based): chr15:27,986,585, A>T on the plus strand (T>A on the coding strand, the complement: OCA2 is on the minus strand). VCF-style: chr15-27986585-A-T. GRCh37 (hg19) VCF-style: chr15-28231731-A-T.
Other names: c.1167+2T>A (NM_001300984.2).
Identifiers: ClinVar variation 2752299 (VCV002752299.4), dbSNP rs370273412, ClinGen allele CA267891795.
Genomic context (GRCh38, chr15:27,986,585, plus strand): 5'-GTCAGAAAAATACATATATAAATTAATCAGGATAGAATTATTAAATGCAACATCATACCT[A>T]CCTTTACAGCACAATAATCGAAAAATCCCGTTTCTGAAAATATGGCTACTAAGATCATCT-3'